The following is an entry in ClinVar:

ClinVar aggregate classification (germline): Uncertain significance. Review status: criteria provided, multiple submitters, no conflicts (2 of 4 stars). 6 submissions from 6 submitters: Uncertain significance (5). 1 of the submissions does not count toward it. Last evaluated 2025-02-26.

Conditions:
Glycine encephalopathy. Also called: Non-ketotic hyperglycinemia; Nonketotic hyperglycinemia. Identifiers: Orphanet 407, MedGen C0751748, MONDO:0011612, HP:0008288.

Allele frequency attached by ClinVar (database versions not stated): TOPMed 0.00001; ExAC 0.00002; gnomAD 0.00004 and 0.00005; gnomAD exomes 0.00001; 1000 Genomes Project 0.00040; 1000 Genomes Project 30x 0.00047.
gnomAD v4.1: 13 of 1,613,542 alleles (0.00081%); highest among the groups gnomAD compares: Admixed American, 0.022%; 1 homozygote.

Submissions (6):

GeneDx
Classification: Uncertain significance. Last evaluated: 2025-02-26. Review status: criteria provided, single submitter. Criteria: GeneDx Variant Classification Process June 2021. Collection method: clinical testing. Allele origin: germline. Affected: yes.
Comment: Not observed at significant frequency in large population cohorts (gnomAD); In silico analysis indicates that this missense variant does not alter protein structure/function; Has not been previously published as pathogenic or benign to our knowledge

Labcorp Genetics (formerly Invitae), Labcorp
Classification: Uncertain significance for Glycine encephalopathy. Last evaluated: 2022-05-18. Review status: criteria provided, single submitter. Criteria: Invitae Variant Classification Sherloc (09022015). Collection method: clinical testing. Allele origin: germline.
Comment: This sequence change replaces alanine, which is neutral and non-polar, with valine, which is neutral and non-polar, at codon 290 of the GLDC protein (p.Ala290Val). This variant is present in population databases (rs534936420, gnomAD 0.003%). This variant has not been reported in the literature in individuals affected with GLDC-related conditions. ClinVar contains an entry for this variant (Variation ID: 994886). Advanced modeling of protein sequence and biophysical properties (such as structural, functional, and spatial information, amino acid conservation, physicochemical variation, residue mobility, and thermodynamic stability) performed at Invitae indicates that this missense variant is not expected to disrupt GLDC protein function. Algorithms developed to predict the effect of sequence changes on RNA splicing suggest that this variant may create or strengthen a splice site. In summary, the available evidence is currently insufficient to determine the role of this variant in disease. Therefore, it has been classified as a Variant of Uncertain Significance.

Fulgent Genetics
Classification: Uncertain significance for Glycine encephalopathy 1. Last evaluated: 2021-11-01. Review status: criteria provided, single submitter. Criteria: ACMG Guidelines, 2015. Collection method: clinical testing. Allele origin: unknown.

Athena Diagnostics
Classification: Uncertain significance. Last evaluated: 2019-12-12. Review status: criteria provided, single submitter. Criteria: Athena Diagnostics Criteria. Collection method: clinical testing. Allele origin: unknown.

Blueprint Genetics
Classification: Uncertain significance. Last evaluated: 2019-03-06. Review status: criteria provided, single submitter. Criteria: ACMG Guidelines, 2015. Collection method: clinical testing. Allele origin: germline.

Natera, Inc.
Classification: Uncertain significance for Non-ketotic hyperglycinemia. Last evaluated: 2021-03-25. Review status: no assertion criteria provided. Collection method: clinical testing. Allele origin: germline. Not counted in ClinVar's aggregate classification.

NM_000170.3(GLDC):c.869C>T (p.Ala290Val)

Gene: GLDC (glycine decarboxylase; minus strand). Cytogenetic location: 9p24.1.
Variant type: single nucleotide variant.
Coding change: c.869C>T on transcript NM_000170.3 (MANE Select); coding-DNA position 869, C replaced by T.
Protein change: p.Ala290Val; replaces alanine 290 with valine.
Molecular consequence: missense variant.
Genome position (GRCh38, 1-based): chr9:6,604,777, G>A on the plus strand (C>T on the coding strand, the complement: GLDC is on the minus strand). VCF-style: chr9-6604777-G-A. GRCh37 (hg19) VCF-style: chr9-6604777-G-A.
Other names: short protein forms A290V.
Identifiers: ClinVar variation 994886 (VCV000994886.10), dbSNP rs534936420, ClinGen allele CA4980933.